The following is an entry in ClinVar:

NM_001370785.2(LRRC7):c.4251G>A (p.Thr1417=)

Gene: LRRC7 (leucine rich repeat containing 7; plus strand). Cytogenetic location: 1p31.1.
Variant type: single nucleotide variant.
Coding change: c.4251G>A on transcript NM_001370785.2 (MANE Select); coding-DNA position 4251, G replaced by A.
Protein change: p.Thr1417=; no amino-acid change (threonine 1417 retained).
Molecular consequence: synonymous variant.
Genome position (GRCh38, 1-based): chr1:70,076,097, G>A. VCF-style: chr1-70076097-G-A. GRCh37 (hg19) VCF-style: chr1-70541780-G-A.
Other names: c.4011G>A, p.Thr1337= (NM_001330635.3, NM_001366841.1); c.4113G>A, p.Thr1371= (NM_001350216.3); c.4110G>A, p.Thr1370= (NM_001366838.3); c.3831G>A, p.Thr1277= (NM_001366839.3).
Identifiers: ClinVar variation 4821223 (VCV004821223.4).

ClinVar aggregate classification (germline): Likely benign (1 of 4 stars; one submission).

gnomAD v4.1: 280 of 1,613,708 alleles (0.017%); highest among the groups gnomAD compares: Admixed American, 0.097%; 1 homozygote.

Submission:

CeGaT Center for Human Genetics Tuebingen
Classification: Likely benign. Last evaluated: 2026-08-01. Review status: criteria provided, single submitter. Criteria: CeGaT Center For Human Genetics Tuebingen Variant Classification Criteria Version 2. Collection method: clinical testing. Allele origin: germline. Affected: yes. Observed: 3 variant alleles.
Comment: LRRC7: BP4, BP7